The following is an entry in ClinVar:

NM_000070.3(CAPN3):c.259C>T (p.Leu87Phe)

Gene: CAPN3 (calpain 3; plus strand). Cytogenetic location: 15q15.1.
Variant type: single nucleotide variant.
Coding change: c.259C>T on transcript NM_000070.3 (MANE Select); coding-DNA position 259, C replaced by T.
Protein change: p.Leu87Phe; replaces leucine 87 with phenylalanine.
Molecular consequence: missense variant.
Genome position (GRCh38, 1-based): chr15:42,360,064, C>T. VCF-style: chr15-42360064-C-T. GRCh37 (hg19) VCF-style: chr15-42652262-C-T.
Other names: c.259C>T, p.Leu87Phe (NM_024344.2, NM_173087.2); short protein forms L87F.
Identifiers: ClinVar variation 4850494 (VCV004850494.1).

ClinVar aggregate classification (germline): Likely pathogenic (1 of 4 stars; one submission).

Conditions:
Autosomal recessive limb-girdle muscular dystrophy type 2A (LGMDR1). Also called: Calpainopathy; LEYDEN-MOEBIUS MUSCULAR DYSTROPHY; MUSCULAR DYSTROPHY, PELVOFEMORAL; Limb-girdle muscular dystrophy, type 2A; Muscular dystrophy, limb-girdle, type 2A, Amish. Identifiers: Orphanet 267, MedGen C1869123, MONDO:0009675, OMIM 253600. Disease mechanism: loss of function.

Submission:

Centre for Medical Genetics,  Mumbai
Classification: Likely pathogenic for Autosomal recessive limb-girdle muscular dystrophy type 2A. Last evaluated: 2026-04-01. Review status: criteria provided, single submitter. Criteria: ACMG Guidelines, 2015. Collection method: provider interpretation. Allele origin: germline. Inheritance: Autosomal recessive inheritance. Affected: yes. Observed: 1 variant allele, 1 compound heterozygote.
Comment: The variant satisfies PM1 criteria- Non-truncating non-synonymous variant is located in a mutational hot spot and/or critical and well-established functional domain- Exonic hotspot- 14 pathogenic or likely pathogenic reported variants were found in a 237bp region surrounding this variant in exon 1 within the region 42652075-42652312 without any missense benign variants, PM2 criteria - Extremely low frequency in gnomAD population databases (absent in gnomAD) PM3 For recessive disorders, detected in trans with a pathogenic variant, the variant is in compound heterozygous state in the patient along with a pathogenic variant c.1691delA or p.His564Profs*31 in the CAPN3 gene. PP2 criteria- Missense variant in a gene with low rate of benign missense mutations and for which missense mutation is a common mechanism of a disease (Three times more pathogenic variants than benign variant for curated missense variants in this gene), PP3 criteria - For a missense or a splicing region variant, computational prediction tools unanimously support a deleterious effect on the gene, Aggregated score predicts a deleterious effect Aggregated score: 0.729 PP4 criteria- Patient’s phenotype or family history is highly specific for a disease with a single genetic etiology, the patient has muscular dystrophy, childhood onset with elevated serum creatine phosphokinase

Literature cited by the submitters: PubMed 15694138.